The following is an entry in ClinVar:

NM_014915.3(ANKRD26):c.446C>T (p.Ala149Val)

Gene: ANKRD26 (ankyrin repeat domain containing 26; minus strand). Cytogenetic location: 10p12.1.
Variant type: single nucleotide variant.
Coding change: c.446C>T on transcript NM_014915.3 (MANE Select); coding-DNA position 446, C replaced by T.
Protein change: p.Ala149Val; replaces alanine 149 with valine.
Molecular consequence: missense variant.
Genome position (GRCh38, 1-based): chr10:27,093,434, G>A on the plus strand (C>T on the coding strand, the complement: ANKRD26 is on the minus strand). VCF-style: chr10-27093434-G-A. GRCh37 (hg19) VCF-style: chr10-27382363-G-A.
Other names: c.446C>T, p.Ala149Val (NM_001256053.2); short protein forms A149V.
Identifiers: ClinVar variation 3870643 (VCV003870643.1).

ClinVar aggregate classification (germline): Uncertain significance (1 of 4 stars; one submission).

Conditions:
Inborn genetic diseases. Identifiers: MedGen C0950123, MeSH D030342.

Submission:

Ambry Genetics
Classification: Uncertain significance for Inborn genetic diseases. Last evaluated: 2025-01-20. Review status: criteria provided, single submitter. Criteria: Ambry Variant Classification Scheme 2023. Collection method: clinical testing. Allele origin: germline.
Comment: The p.A149V variant (also known as c.446C>T), located in coding exon 3 of the ANKRD26 gene, results from a C to T substitution at nucleotide position 446. The alanine at codon 149 is replaced by valine, an amino acid with similar properties. This amino acid position is conserved. In addition, the in silico prediction for this alteration is inconclusive. Based on the available evidence, the clinical significance of this variant remains unclear.